The following is an entry in ClinVar:

NM_001110556.2(FLNA):c.3244G>A (p.Ala1082Thr)

Gene: FLNA (filamin A; minus strand). Cytogenetic location: Xq28.
Variant type: single nucleotide variant.
Coding change: c.3244G>A on transcript NM_001110556.2 (MANE Select); coding-DNA position 3244, G replaced by A.
Protein change: p.Ala1082Thr; replaces alanine 1082 with threonine.
Molecular consequence: missense variant.
Genome position (GRCh38, 1-based): chrX:154,360,551, C>T on the plus strand (G>A on the coding strand, the complement: FLNA is on the minus strand). VCF-style: chrX-154360551-C-T. GRCh37 (hg19) VCF-style: chrX-153588919-C-T.
Other names: c.3244G>A, p.Ala1082Thr (NM_001456.4); short protein forms A1082T.
Identifiers: ClinVar variation 3372900 (VCV003372900.1).

ClinVar aggregate classification (germline): Uncertain significance (1 of 4 stars; one submission).

Submission:

GeneDx
Classification: Uncertain significance. Last evaluated: 2024-04-25. Review status: criteria provided, single submitter. Criteria: GeneDx Variant Classification Process June 2021. Collection method: clinical testing. Allele origin: germline. Affected: yes.
Comment: Not observed at significant frequency in large population cohorts (gnomAD); In silico analysis indicates that this missense variant does not alter protein structure/function; Has not been previously published as pathogenic or benign to our knowledge